The following is an entry in ClinVar:

ClinVar aggregate classification (germline): Likely pathogenic (1 of 4 stars; one submission).

Conditions:
Developmental delay, impaired speech, and behavioral abnormalities. Identifiers: MedGen C5561957, MONDO:0859178, OMIM 619475.

Submission:

Department of Child Neurology, NHO Nishiniigata Chuo Hospital
Classification: Likely pathogenic for Developmental delay, impaired speech, and behavioral abnormalities. Last evaluated: 2022-11-30. Review status: criteria provided, single submitter. Criteria: ACMG Guidelines, 2015. Collection method: research. Allele origin: de novo. Inheritance: Autosomal dominant inheritance. Affected: yes. Observed: 1 variant allele, 1 heterozygote.
Comment: The affected amino acid residue is highly conserved, and the variant was absent from the population control databases examined. In silico prediction tools suggested a deleterious effect of this variant. Based on these findings, the variant was classified as likely pathogenic according to the ACMG/AMP guidelines (PS2, PM2, and PP3).

Literature cited by the submitters: PubMed 34211179.

NM_003128.3(SPTBN1):c.138G>C (p.Lys46Asn)

Genes: SPTBN1 (spectrin beta, non-erythrocytic 1; plus strand), SPTBN1-AS1 (SPTBN1 antisense RNA 1; minus strand). Cytogenetic location: 2p16.2.
Variant type: single nucleotide variant.
Coding change: c.138G>C on transcript NM_003128.3 (MANE Select); coding-DNA position 138, G replaced by C.
Protein change: p.Lys46Asn; replaces lysine 46 with asparagine.
Molecular consequence: missense variant.
Genome position (GRCh38, 1-based): chr2:54,526,556, G>C. VCF-style: chr2-54526556-G-C. GRCh37 (hg19) VCF-style: chr2-54753693-G-C.
Other names: short protein forms K46N.
Identifiers: ClinVar variation 5037759 (VCV005037759.1).